The following is an entry in ClinVar:

NM_001852.4(COL9A2):c.673C>T (p.Pro225Ser)

Gene: COL9A2 (collagen type IX alpha 2 chain; minus strand). Cytogenetic location: 1p34.2.
Variant type: single nucleotide variant.
Coding change: c.673C>T on transcript NM_001852.4 (MANE Select); coding-DNA position 673, C replaced by T.
Protein change: p.Pro225Ser; replaces proline 225 with serine.
Molecular consequence: missense variant.
Genome position (GRCh38, 1-based): chr1:40,310,725, G>A on the plus strand (C>T on the coding strand, the complement: COL9A2 is on the minus strand). VCF-style: chr1-40310725-G-A. GRCh37 (hg19) VCF-style: chr1-40776397-G-A.
Other names: c.673C>T (NM_001852.3); short protein forms P225S.
Identifiers: ClinVar variation 2872832 (VCV002872832.4), dbSNP rs868284558, ClinGen allele CA21041978.

ClinVar aggregate classification (germline): Uncertain significance. Review status: criteria provided, multiple submitters, no conflicts (2 of 4 stars). 2 submissions from 2 submitters: Uncertain significance (2). Last evaluated 2025-03-31.

gnomAD v4.1: 2 of 1,566,900 alleles (0.00013%); highest among the groups gnomAD compares: Non-Finnish European, 0.00017%; no homozygotes.

Submissions (2):

Labcorp Genetics (formerly Invitae), Labcorp
Classification: Uncertain significance. Last evaluated: 2025-03-31. Review status: criteria provided, single submitter. Criteria: Invitae Variant Classification Sherloc (09022015). Collection method: clinical testing. Allele origin: germline.
Comment: This sequence change replaces proline, which is neutral and non-polar, with serine, which is neutral and polar, at codon 225 of the COL9A2 protein (p.Pro225Ser). This variant is not present in population databases (gnomAD no frequency). This variant has not been reported in the literature in individuals affected with COL9A2-related conditions. ClinVar contains an entry for this variant (Variation ID: 2872832). Invitae Evidence Modeling of protein sequence and biophysical properties (such as structural, functional, and spatial information, amino acid conservation, physicochemical variation, residue mobility, and thermodynamic stability) indicates that this missense variant is not expected to disrupt COL9A2 protein function with a negative predictive value of 95%. In summary, the available evidence is currently insufficient to determine the role of this variant in disease. Therefore, it has been classified as a Variant of Uncertain Significance.

GeneDx
Classification: Uncertain significance. Last evaluated: 2024-08-05. Review status: criteria provided, single submitter. Criteria: GeneDx Variant Classification Process June 2021. Collection method: clinical testing. Allele origin: germline. Affected: yes.
Comment: Not observed at significant frequency in large population cohorts (gnomAD); In silico analysis indicates that this missense variant does not alter protein structure/function; Has not been previously published as pathogenic or benign to our knowledge